The following is an entry in ClinVar:

ClinVar aggregate classification (germline): Pathogenic. Review status: criteria provided, single submitter (1 of 4 stars). 2 submissions from 2 submitters: Pathogenic (1). 1 of the submissions does not count toward it. Last evaluated 2023-06-28.

Conditions:
Meckel-Gruber syndrome. Also called: Dysencephalia splachnocystica; DYSENCEPHALIA SPLANCHNOCYSTICA; GRUBER SYNDROME. Identifiers: Orphanet 564, MedGen C0265215, MONDO:0018921.
Joubert syndrome. Also called: Familial aplasia of the vermis; CEREBELLOPARENCHYMAL DISORDER IV; JOUBERT-BOLTSHAUSER SYNDROME. Identifiers: Orphanet 475, MedGen C5979921, MONDO:0018772.

Submissions (2):

Labcorp Genetics (formerly Invitae), Labcorp
Classification: Pathogenic for Joubert syndrome; Meckel-Gruber syndrome. Last evaluated: 2023-06-28. Review status: criteria provided, single submitter. Criteria: Invitae Variant Classification Sherloc (09022015). Collection method: clinical testing. Allele origin: germline.
Comment: This sequence change creates a premature translational stop signal (p.Leu358Phefs*6) in the RPGRIP1L gene. It is expected to result in an absent or disrupted protein product. Loss-of-function variants in RPGRIP1L are known to be pathogenic (PMID: 17558409). This variant is not present in population databases (gnomAD no frequency). This variant has not been reported in the literature in individuals affected with RPGRIP1L-related conditions. ClinVar contains an entry for this variant (Variation ID: 591958). For these reasons, this variant has been classified as Pathogenic.

Gharavi Laboratory, Columbia University
Classification: Uncertain significance. Last evaluated: 2018-09-16. Review status: no assertion criteria provided. Criteria: ACMG Guidelines, 2015. Collection method: research. Allele origin: germline. Affected: yes. Not counted in ClinVar's aggregate classification.

Literature cited by the submitters: PubMed 17558409 (cited by Labcorp Genetics (formerly Invitae), Labcorp).

NM_015272.5(RPGRIP1L):c.1073dup (p.Leu358fs)

Gene: RPGRIP1L (RPGRIP1 like; minus strand). Cytogenetic location: 16q12.2.
Variant type: Duplication.
Coding change: c.1073dup on transcript NM_015272.5 (MANE Select); coding-DNA position 1073, one base duplicated (T; older notation c.1073dupT).
Protein change: p.Leu358fs; shifts the reading frame from leucine 358.
Molecular consequence: frameshift variant.
Genome position (GRCh38, 1-based): chr16:53,671,540, A duplicated on the plus strand (T on the coding strand, the reverse complement: RPGRIP1L is on the minus strand); the first of 4 consecutive A bases (chr16:53,671,540-53,671,543); duplicating any one gives the same sequence. VCF-style (leftmost placement, unchanged base first): chr16-53671539-T-TA. GRCh37 (hg19) VCF-style: chr16-53705451-T-TA.
Other names: c.1073dup, p.Leu358fs (NM_001127897.4, NM_001308334.3, NM_001330538.2); short protein forms L358fs.
Identifiers: ClinVar variation 591958 (VCV000591958.4), dbSNP rs1060501006, ClinGen allele CA721649891.